The following is an entry in ClinVar:

NM_001267550.2(TTN):c.26817C>T (p.Ser8939=)

Gene: TTN (titin; minus strand). Cytogenetic location: 2q31.2.
Variant type: single nucleotide variant.
Coding change: c.26817C>T on transcript NM_001267550.2 (MANE Select); coding-DNA position 26817, C replaced by T.
Protein change: p.Ser8939=; no amino-acid change (serine 8939 retained).
Molecular consequence: synonymous variant. On other transcripts: intron variant (3).
Genome position (GRCh38, 1-based): chr2:178,713,317, G>A on the plus strand (C>T on the coding strand, the complement: TTN is on the minus strand). VCF-style: chr2-178713317-G-A. GRCh37 (hg19) VCF-style: chr2-179578044-G-A.
Other names: c.25866C>T, p.Ser8622= (NM_001256850.1); c.23085C>T, p.Ser7695= (NM_133378.4); c.13282+24765C>T (NM_003319.4); c.13858+24765C>T (NM_133437.4); c.13657+24765C>T (NM_133432.3).
Identifiers: ClinVar variation 701197 (VCV000701197.12), dbSNP rs370757633, ClinGen allele CA1999915.

ClinVar aggregate classification (germline): Likely benign. Review status: criteria provided, multiple submitters, no conflicts (2 of 4 stars). 2 submissions from 2 submitters: Likely benign (2). Last evaluated 2025-12-18.

Conditions:
TTN-related disorder. Also called: TTN-related condition; TTN-related disease; TTN-related disorders.
Autosomal recessive limb-girdle muscular dystrophy type 2J (LGMDR10). Also called: Limb-girdle muscular dystrophy, type 2J; MUSCULAR DYSTROPHY, LIMB-GIRDLE, AUTOSOMAL RECESSIVE 10. Identifiers: Orphanet 140922, MedGen C1837342, MONDO:0012127, OMIM 608807.
Dilated cardiomyopathy 1G (CMD1G). Identifiers: Orphanet 154, MedGen C1858763, MONDO:0011400, OMIM 604145.

Allele frequency attached by ClinVar (database versions not stated): TOPMed 0.00006; gnomAD 0.00007 and 0.00008; ESP Exome Variant Server 0.00008.
gnomAD v4.1: 28 of 1,579,702 alleles (0.0018%); highest among the groups gnomAD compares: African/African-American, 0.012%; no homozygotes.

Submissions (2):

PreventionGenetics, part of Exact Sciences
Classification: Likely benign for TTN-related condition. Last evaluated: 2025-12-18. Review status: criteria provided, single submitter. Criteria: ACMG Guidelines, 2015. Collection method: clinical testing. Allele origin: germline.
Comment: This variant is classified as likely benign based on ACMG/AMP sequence variant interpretation guidelines (Richards et al. 2015 PMID: 25741868, with internal and published modifications).

Labcorp Genetics (formerly Invitae), Labcorp
Classification: Likely benign for Dilated cardiomyopathy 1G; Autosomal recessive limb-girdle muscular dystrophy type 2J. Last evaluated: 2025-11-03. Review status: criteria provided, single submitter. Criteria: Invitae Variant Classification Sherloc (09022015). Collection method: clinical testing. Allele origin: germline.